The following is an entry in ClinVar:

ClinVar aggregate classification (germline): Likely pathogenic (1 of 4 stars; one submission).

Submission:

Dasa
Classification: Likely pathogenic. Last evaluated: 2024-12-03. Review status: criteria provided, single submitter. Criteria: DASA Assertion Criteria. Collection method: clinical testing. Allele origin: germline.
Comment: NM_052867.4(NALCN):c.417G>A (p.Trp139*) is a nonsense variant in NALCN predicted to introduce a premature termination codon and is predicted to result in an absent or altered protein product. Loss of function is an established disease mechanism for NALCN-associated disorders. Also, this variant is absent from population databases. Based on the currently available evidence, this variant is classified as likely pathogenic.

NM_052867.4(NALCN):c.417G>A (p.Trp139Ter)

Gene: NALCN (sodium leak channel, non-selective; minus strand). Cytogenetic location: 13q33.1.
Variant type: single nucleotide variant.
Coding change: c.417G>A on transcript NM_052867.4 (MANE Select); coding-DNA position 417, G replaced by A.
Protein change: p.Trp139Ter; replaces tryptophan 139 with a stop codon.
Molecular consequence: nonsense.
Genome position (GRCh38, 1-based): chr13:101,377,015, C>T on the plus strand (G>A on the coding strand, the complement: NALCN is on the minus strand). VCF-style: chr13-101377015-C-T. GRCh37 (hg19) VCF-style: chr13-102029366-C-T.
Other names: c.417G>A, p.Trp139Ter (NM_001350748.2, NM_001350749.2, NM_001350750.2 and 1 more transcripts); short protein forms W139*.
Identifiers: ClinVar variation 4883489 (VCV004883489.2).
Genomic context (GRCh38, chr13:101,377,015, plus strand): 5'-TCGGAAATAAATCCGGAATGCTCGGATCATAATCAGTGGCCGTGGAATCCGCAACATGCC[C>T]CAAGGTGACATCTGATCAACTATATCAGCAATTTCAAACACCTACAAATTAAAAGATGGG-3'